The following is an entry in ClinVar:

NM_015533.4(TKFC):c.345G>A (p.Arg115=)

Gene: TKFC (triokinase and FMN cyclase; plus strand). Cytogenetic location: 11q12.2.
Variant type: single nucleotide variant.
Coding change: c.345G>A on transcript NM_015533.4 (MANE Select); coding-DNA position 345, G replaced by A.
Protein change: p.Arg115=; no amino-acid change (arginine 115 retained).
Molecular consequence: synonymous variant.
Genome position (GRCh38, 1-based): chr11:61,339,294, G>A. VCF-style: chr11-61339294-G-A. GRCh37 (hg19) VCF-style: chr11-61106766-G-A.
Other names: c.345G>A, p.Arg115= (NM_001351976.2, NM_001351977.2, NM_001351978.2 and 1 more transcripts); c.135G>A, p.Arg45= (NM_001351980.2).
Identifiers: ClinVar variation 4872010 (VCV004872010.2).

ClinVar aggregate classification (germline): Likely benign (1 of 4 stars; one submission).

Submission:

CeGaT Center for Human Genetics Tuebingen
Classification: Likely benign. Last evaluated: 2026-05-01. Review status: criteria provided, single submitter. Criteria: CeGaT Center For Human Genetics Tuebingen Variant Classification Criteria Version 2. Collection method: clinical testing. Allele origin: germline. Affected: yes. Observed: 1 variant allele.
Comment: TKFC: BP4, BP7